The following is an entry in ClinVar:

ClinVar aggregate classification (germline): Pathogenic (1 of 4 stars; one submission).

Conditions:
Familial cancer of breast. Also called: Hereditary breast cancer; hereditary breast carcinoma; BREAST CANCER, FAMILIAL. Identifiers: Orphanet 227535, MedGen C0346153, MONDO:0016419, OMIM 114480. Disease mechanism: loss of function.

Submission:

Labcorp Genetics (formerly Invitae), Labcorp
Classification: Pathogenic for Hereditary Breast Carcinoma. Last evaluated: 2019-07-17. Review status: criteria provided, single submitter. Criteria: Invitae Variant Classification Sherloc (09022015). Collection method: clinical testing. Allele origin: germline.
Comment: This variant is a gross deletion of the genomic region encompassing exon 1 of the BARD1 gene, which includes the initiator codon. The 5' end of this event is unknown as it extends beyond the assayed region for this gene and therefore may encompass additional genes. The 3' boundary is likely confined to intron 1 of the BARD1 gene. This is expected to result in an absent or disrupted protein product. While this particular variant has not been reported in the literature, loss-of-function variants in BARD1 are known to be pathogenic (PMID: 21344236, 22006311, 20077502). For these reasons, this variant has been classified as Pathogenic.

Literature cited by the submitters: PubMed 21344236; PubMed 22006311; PubMed 20077502.

NC_000002.12:g.(?_214809402)_(214809579_?)del

Gene: BARD1 (BRCA1 associated RING domain 1; minus strand). Cytogenetic location: 2q35.
Variant type: Deletion.
Identifiers: ClinVar variation 583534 (VCV000583534.4).